The following is an entry in ClinVar:

ClinVar aggregate classification (germline): Uncertain significance (1 of 4 stars; one submission).

Submission:

Labcorp Genetics (formerly Invitae), Labcorp
Classification: Uncertain significance. Last evaluated: 2022-10-13. Review status: criteria provided, single submitter. Criteria: Invitae Variant Classification Sherloc (09022015). Collection method: clinical testing. Allele origin: germline.
Comment: Algorithms developed to predict the effect of missense changes on protein structure and function output the following: SIFT: "Tolerated"; PolyPhen-2: "Benign"; Align-GVGD: "Class C0". The aspartic acid amino acid residue is found in multiple mammalian species, which suggests that this missense change does not adversely affect protein function. In summary, the available evidence is currently insufficient to determine the role of this variant in disease. Therefore, it has been classified as a Variant of Uncertain Significance. ClinVar contains an entry for this variant (Variation ID: 1004343). This variant has not been reported in the literature in individuals affected with USH2A-related conditions. This variant is not present in population databases (gnomAD no frequency). This sequence change replaces glycine, which is neutral and non-polar, with aspartic acid, which is acidic and polar, at codon 1629 of the USH2A protein (p.Gly1629Asp).

NM_206933.4(USH2A):c.4886G>A (p.Gly1629Asp)

Genes: USH2A (usherin; minus strand), USH2A-AS2 (USH2A antisense RNA 2; plus strand). Cytogenetic location: 1q41.
Variant type: single nucleotide variant.
Coding change: c.4886G>A on transcript NM_206933.4 (MANE Select); coding-DNA position 4886, G replaced by A.
Protein change: p.Gly1629Asp; replaces glycine 1629 with aspartic acid.
Molecular consequence: missense variant. On other transcripts: non-coding transcript variant (2).
Genome position (GRCh38, 1-based): chr1:216,086,820, C>T on the plus strand (G>A on the coding strand, the complement: USH2A is on the minus strand). VCF-style: chr1-216086820-C-T. GRCh37 (hg19) VCF-style: chr1-216260162-C-T.
Other names: short protein forms G1629D.
Identifiers: ClinVar variation 1004343 (VCV001004343.5), dbSNP rs2032148917, ClinGen allele CA344860047.